The following is an entry in ClinVar:

NM_000395.3(CSF2RB):c.1294C>A (p.Arg432Ser)

Gene: CSF2RB (colony stimulating factor 2 receptor subunit beta; plus strand). Cytogenetic location: 22q12.3.
Variant type: single nucleotide variant.
Coding change: c.1294C>A on transcript NM_000395.3 (MANE Select); coding-DNA position 1294, C replaced by A.
Protein change: p.Arg432Ser; replaces arginine 432 with serine.
Molecular consequence: missense variant.
Genome position (GRCh38, 1-based): chr22:36,933,973, C>A. VCF-style: chr22-36933973-C-A. GRCh37 (hg19) VCF-style: chr22-37330015-C-A.
Other names: c.1294C>A (NM_000395.2); short protein forms R432S.
Identifiers: ClinVar variation 1369776 (VCV001369776.9), dbSNP rs144177473, ClinGen allele CA10213768.

ClinVar aggregate classification (germline): Uncertain significance. Review status: criteria provided, multiple submitters, no conflicts (2 of 4 stars). 2 submissions from 2 submitters: Uncertain significance (2). Last evaluated 2024-02-20.

Conditions:
Inborn genetic diseases. Identifiers: MedGen C0950123, MeSH D030342.

Submissions (2):

Labcorp Genetics (formerly Invitae), Labcorp
Classification: Uncertain significance. Last evaluated: 2024-02-20. Review status: criteria provided, single submitter. Criteria: Invitae Variant Classification Sherloc (09022015). Collection method: clinical testing. Allele origin: germline.
Comment: This sequence change replaces arginine, which is basic and polar, with serine, which is neutral and polar, at codon 432 of the CSF2RB protein (p.Arg432Ser). This variant is present in population databases (rs144177473, gnomAD 0.02%). This variant has not been reported in the literature in individuals affected with CSF2RB-related conditions. ClinVar contains an entry for this variant (Variation ID: 1369776). Advanced modeling of protein sequence and biophysical properties (such as structural, functional, and spatial information, amino acid conservation, physicochemical variation, residue mobility, and thermodynamic stability) performed at Invitae indicates that this missense variant is not expected to disrupt CSF2RB protein function with a negative predictive value of 80%. In summary, the available evidence is currently insufficient to determine the role of this variant in disease. Therefore, it has been classified as a Variant of Uncertain Significance.

Ambry Genetics
Classification: Uncertain significance for Inborn genetic diseases. Last evaluated: 2021-08-30. Review status: criteria provided, single submitter. Criteria: Ambry Variant Classification Scheme 2023. Collection method: clinical testing. Allele origin: germline.